The following is an entry in ClinVar:

ClinVar aggregate classification (germline): Uncertain significance. Review status: criteria provided, multiple submitters, no conflicts (2 of 4 stars). 5 submissions from 5 submitters: Uncertain significance (4). 1 of the submissions does not count toward it. Last evaluated 2024-12-19.

Conditions:
Alkuraya-Kucinskas syndrome. Identifiers: Orphanet 610569, MedGen C4693347, MONDO:0060631, OMIM 617822.

Allele frequency attached by ClinVar (database versions not stated): gnomAD 0.00006 and 0.00005; TOPMed 0.00007; gnomAD exomes 0.00004 and 0.00003; ExAC 0.00004.
gnomAD v4.1: 62 of 1,613,880 alleles (0.0038%); highest among the groups gnomAD compares: South Asian, 0.0055%; no homozygotes.

Submissions (5):

Genomic Medicine Center of Excellence, King Faisal Specialist Hospital and Research Centre
Classification: Uncertain significance for Alkuraya-Kucinskas syndrome. Last evaluated: 2024-12-19. Review status: criteria provided, single submitter. Criteria: ACMG Guidelines, 2015. Collection method: clinical testing. Allele origin: germline.

Blueprint Genetics
Classification: Uncertain significance. Last evaluated: 2024-02-27. Review status: criteria provided, single submitter. Criteria: ACMG Guidelines, 2015. Collection method: clinical testing. Allele origin: germline.

Ambry Genetics
Classification: Uncertain significance. Last evaluated: 2021-10-01. Review status: criteria provided, single submitter. Criteria: Ambry Variant Classification Scheme 2023. Collection method: clinical testing. Allele origin: germline.

GeneDx
Classification: Uncertain significance. Last evaluated: 2020-12-23. Review status: criteria provided, single submitter. Criteria: GeneDx Variant Classification Process June 2021. Collection method: clinical testing. Allele origin: germline. Affected: yes.
Comment: In silico analysis supports that this missense variant has a deleterious effect on protein structure/function; This variant is associated with the following publications: (PMID: 29290337, 33100332)

OMIM
Classification: Pathogenic for ALKURAYA-KUCINSKAS SYNDROME. Last evaluated: 2018-01-11. Review status: no assertion criteria provided. Collection method: literature only. Allele origin: germline. Not counted in ClinVar's aggregate classification.

Literature cited by the submitters: PubMed 29290337 (cited by OMIM).

NM_001384125.1(BLTP1):c.3986A>G (p.Tyr1329Cys)

Gene: BLTP1 (bridge-like lipid transfer protein family member 1; plus strand). Cytogenetic location: 4q27.
Variant type: single nucleotide variant.
Coding change: c.3986A>G on transcript NM_001384125.1 (MANE Select); coding-DNA position 3986, A replaced by G.
Protein change: p.Tyr1329Cys; replaces tyrosine 1329 with cysteine.
Molecular consequence: missense variant.
Genome position (GRCh38, 1-based): chr4:122,239,668, A>G. VCF-style: chr4-122239668-A-G. GRCh37 (hg19) VCF-style: chr4-123160823-A-G.
Other names: KIAA1109, TYR1329CYS (rs770791100); c.3986A>G, p.Tyr1329Cys (NM_015312.4); short protein forms Y1329C.
Identifiers: ClinVar variation 487547 (VCV000487547.6), dbSNP rs770791100, ClinGen allele CA3066284.